The following is an entry in ClinVar:

ClinVar aggregate classification (germline): Uncertain significance. Review status: criteria provided, multiple submitters, no conflicts (2 of 4 stars). 4 submissions from 4 submitters: Uncertain significance (4). Last evaluated 2025-12-10.

Conditions:
Cardiovascular phenotype. Identifiers: MedGen CN230736.
Dilated cardiomyopathy 1II (CMD1II). Identifiers: Orphanet 154, MedGen C3554649, MONDO:0014073, OMIM 615184.

Allele frequency attached by ClinVar (database versions not stated): TOPMed 0.00002; 1000 Genomes Project 0.00020; gnomAD 0.00002; ESP Exome Variant Server 0.00008; 1000 Genomes Project 30x 0.00016.
gnomAD v4.1: 5 of 1,611,328 alleles (0.00031%); highest among the groups gnomAD compares: African/African-American, 0.004%; no homozygotes.

Submissions (4):

Ambry Genetics
Classification: Uncertain significance for Cardiovascular phenotype. Last evaluated: 2025-12-10. Review status: criteria provided, single submitter. Criteria: Ambry Variant Classification Scheme 2023. Collection method: clinical testing. Allele origin: germline.
Comment: The p.G29R variant (also known as c.85G>C), located in coding exon 1 of the CRYAB gene, results from a G to C substitution at nucleotide position 85. The glycine at codon 29 is replaced by arginine, an amino acid with dissimilar properties. This amino acid position is highly conserved in available vertebrate species. In addition, this alteration is predicted to be deleterious by in silico analysis. Since supporting evidence is limited at this time, the clinical significance of this alteration remains unclear.

GeneDx
Classification: Uncertain significance. Last evaluated: 2025-09-22. Review status: criteria provided, single submitter. Criteria: GeneDx Variant Classification Process June 2021. Collection method: clinical testing. Allele origin: germline. Affected: yes.
Comment: Not observed at significant frequency in large population cohorts (gnomAD); In silico analysis supports that this missense variant has a deleterious effect on protein structure/function; Has not been previously published as pathogenic or benign to our knowledge

Labcorp Genetics (formerly Invitae), Labcorp
Classification: Uncertain significance for Dilated cardiomyopathy 1II. Last evaluated: 2024-11-24. Review status: criteria provided, single submitter. Criteria: Invitae Variant Classification Sherloc (09022015). Collection method: clinical testing. Allele origin: germline.
Comment: This sequence change replaces glycine, which is neutral and non-polar, with arginine, which is basic and polar, at codon 29 of the CRYAB protein (p.Gly29Arg). This variant is present in population databases (rs148500053, gnomAD 0.007%). This variant has not been reported in the literature in individuals affected with CRYAB-related conditions. ClinVar contains an entry for this variant (Variation ID: 839870). An algorithm developed to predict the effect of missense changes on protein structure and function (PolyPhen-2) suggests that this variant is likely to be disruptive. In summary, the available evidence is currently insufficient to determine the role of this variant in disease. Therefore, it has been classified as a Variant of Uncertain Significance.

Athena Diagnostics
Classification: Uncertain significance. Last evaluated: 2020-02-14. Review status: criteria provided, single submitter. Criteria: Athena Diagnostics Criteria. Collection method: clinical testing. Allele origin: unknown.

NM_001289808.2(CRYAB):c.85G>C (p.Gly29Arg)

Gene: CRYAB (crystallin alpha B; minus strand). Cytogenetic location: 11q23.1.
Variant type: single nucleotide variant.
Coding change: c.85G>C on transcript NM_001289808.2 (MANE Select); coding-DNA position 85, G replaced by C.
Protein change: p.Gly29Arg; replaces glycine 29 with arginine.
Molecular consequence: missense variant.
Genome position (GRCh38, 1-based): chr11:111,911,640, C>G on the plus strand (G>C on the coding strand, the complement: CRYAB is on the minus strand). VCF-style: chr11-111911640-C-G. GRCh37 (hg19) VCF-style: chr11-111782364-C-G.
Other names: c.85G>C, p.Gly29Arg (NM_001289807.1, NM_001368245.1, NM_001885.3); short protein forms G29R.
Identifiers: ClinVar variation 839870 (VCV000839870.19), dbSNP rs148500053, ClinGen allele CA6275575.
Genomic context (GRCh38, chr11:111,911,640, plus strand): 5'-GGTAGAAGGGACTCAGGGAAGTAGACGTCGGGAAAAGATCAGACTCCAACAGGTGCTCTC[C>G]GAAGAACTGGTCAAAGAGGCGGCTGGGGGAGTGGAAAGGAAAGAAGGGGCGGCGGATCCA-3'
Protein context (NP_001276737.1, residues 19-39): SPSRLFDQFF[Gly29Arg]EHLLESDLFP